The following is an entry in ClinVar:

ClinVar aggregate classification (germline): Conflicting classifications of pathogenicity. Review status: criteria provided, conflicting classifications (1 of 4 stars). 4 submissions from 4 submitters: Uncertain significance (1); Benign (1); Likely benign (2). Last evaluated 2026-01-03.

Conditions:
ADAMTS13-related disorder. Also called: ADAMTS13-related condition.

Allele frequency attached by ClinVar (database versions not stated): ExAC 0.00012; gnomAD 0.00013 and 0.00014; 1000 Genomes Project 30x 0.00016; TOPMed 0.00018; 1000 Genomes Project 0.00020.
gnomAD v4.1: 210 of 1,613,916 alleles (0.013%); highest among the groups gnomAD compares: Middle Eastern, 0.049%; no homozygotes.

Submissions (4):

PreventionGenetics, part of Exact Sciences
Classification: Likely benign for ADAMTS13-related condition. Last evaluated: 2026-01-03. Review status: criteria provided, single submitter. Criteria: ACMG Guidelines, 2015. Collection method: clinical testing. Allele origin: germline.
Comment: This variant is classified as likely benign based on ACMG/AMP sequence variant interpretation guidelines (Richards et al. 2015 PMID: 25741868, with internal and published modifications).

Labcorp Genetics (formerly Invitae), Labcorp
Classification: Benign. Last evaluated: 2025-12-31. Review status: criteria provided, single submitter. Criteria: Invitae Variant Classification Sherloc (09022015). Collection method: clinical testing. Allele origin: germline.

Women's Health and Genetics/Laboratory Corporation of America, LabCorp
Classification: Likely benign. Last evaluated: 2025-04-30. Review status: criteria provided, single submitter. Criteria: LabCorp Variant Classification Summary - May 2015. Collection method: clinical testing. Allele origin: germline.

Breakthrough Genomics
Classification: Uncertain significance. Review status: criteria provided, single submitter. Criteria: ACMG Guidelines, 2015. Collection method: not provided. Allele origin: germline. Inheritance: Autosomal recessive inheritance. Affected: yes.

NM_139027.6(ADAMTS13):c.539+7G>A

Gene: ADAMTS13 (ADAM metallopeptidase with thrombospondin type 1 motif 13; plus strand). Cytogenetic location: 9q34.2.
Variant type: single nucleotide variant.
Coding change: c.539+7G>A on transcript NM_139027.6 (MANE Select); 7 bases into the intron after coding-DNA position 539, G replaced by A.
Molecular consequence: intron variant.
Genome position (GRCh38, 1-based): chr9:133,426,069, G>A. VCF-style: chr9-133426069-G-A. GRCh37 (hg19) VCF-style: chr9-136291189-G-A.
Other names: c.539+7G>A (NM_139025.5, NM_139026.6).
Identifiers: ClinVar variation 365536 (VCV000365536.14), dbSNP rs184864675, ClinGen allele CA10629392.